The following is an entry in ClinVar:

ClinVar aggregate classification (germline): Uncertain significance (1 of 4 stars; one submission).

Conditions:
Joubert syndrome. Also called: CEREBELLOPARENCHYMAL DISORDER IV; JOUBERT-BOLTSHAUSER SYNDROME; Familial aplasia of the vermis. Identifiers: Orphanet 475, MedGen C5979921, MONDO:0018772.
Orofaciodigital syndrome I (OFD1). Also called: OFDS I; Papillon-Leage and Psaume Syndrome; Oral-Facial-Digital Syndrome Type I. Identifiers: Orphanet 2750, MedGen C1510460, MONDO:0010702, OMIM 311200.

gnomAD v4.1: 3 of 1,211,489 alleles (0.00025%); highest among the groups gnomAD compares: Non-Finnish European, 0.00034%; no homozygotes.

Submission:

Labcorp Genetics (formerly Invitae), Labcorp
Classification: Uncertain significance for Orofaciodigital syndrome I; Joubert syndrome. Last evaluated: 2024-10-16. Review status: criteria provided, single submitter. Criteria: Invitae Variant Classification Sherloc (09022015). Collection method: clinical testing. Allele origin: germline.
Comment: This sequence change replaces serine, which is neutral and polar, with cysteine, which is neutral and slightly polar, at codon 15 of the OFD1 protein (p.Ser15Cys). This variant is not present in population databases (gnomAD no frequency). This variant has not been reported in the literature in individuals affected with OFD1-related conditions. Invitae Evidence Modeling of protein sequence and biophysical properties (such as structural, functional, and spatial information, amino acid conservation, physicochemical variation, residue mobility, and thermodynamic stability) has been performed for this missense variant. However, the output from this modeling did not meet the statistical confidence thresholds required to predict the impact of this variant on OFD1 protein function. In summary, the available evidence is currently insufficient to determine the role of this variant in disease. Therefore, it has been classified as a Variant of Uncertain Significance.

NM_003611.3(OFD1):c.43A>T (p.Ser15Cys)

Genes: OFD1 (OFD1 centriole and centriolar satellite protein; plus strand), LOC126863212 (CDK7 strongly-dependent group 2 enhancer GRCh37_chrX:13752241-13753440; plus strand). Cytogenetic location: Xp22.2.
Variant type: single nucleotide variant.
Coding change: c.43A>T on transcript NM_003611.3 (MANE Select); coding-DNA position 43, A replaced by T.
Protein change: p.Ser15Cys; replaces serine 15 with cysteine.
Molecular consequence: missense variant. On other transcripts: 5 prime UTR variant (1).
Genome position (GRCh38, 1-based): chrX:13,735,278, A>T. VCF-style: chrX-13735278-A-T. GRCh37 (hg19) VCF-style: chrX-13753397-A-T.
Other names: c.43A>T, p.Ser15Cys (NM_001330209.2); c.-503A>T (NM_001330210.2); short protein forms S15C.
Identifiers: ClinVar variation 3749553 (VCV003749553.2).